The following is an entry in ClinVar:

NM_003482.4(KMT2D):c.11319C>T (p.Pro3773=)

Gene: KMT2D (lysine methyltransferase 2D; minus strand). Cytogenetic location: 12q13.12.
Variant type: single nucleotide variant.
Coding change: c.11319C>T on transcript NM_003482.4 (MANE Select); coding-DNA position 11319, C replaced by T.
Protein change: p.Pro3773=; no amino-acid change (proline 3773 retained).
Molecular consequence: synonymous variant.
Genome position (GRCh38, 1-based): chr12:49,033,386, G>A on the plus strand (C>T on the coding strand, the complement: KMT2D is on the minus strand). VCF-style: chr12-49033386-G-A. GRCh37 (hg19) VCF-style: chr12-49427169-G-A.
Identifiers: ClinVar variation 3052135 (VCV003052135.4), dbSNP rs887378170, ClinGen allele CA236640131.

ClinVar aggregate classification (germline): Benign. Review status: criteria provided, single submitter (1 of 4 stars). 2 submissions from 2 submitters: Benign (1). 1 of the submissions does not count toward it. Last evaluated 2024-03-16.

Conditions:
KMT2D-related disorder. Also called: KMT2D-Related Disorders.
Kabuki syndrome. Also called: NIIKAWA-KUROKI SYNDROME; Kabuki make-up syndrome. Identifiers: Orphanet 2322, MedGen C0796004, MONDO:0016512.

Allele frequency attached by ClinVar (database versions not stated): gnomAD 0.00001; TOPMed 0.00001.
gnomAD v4.1: 13 of 1,574,444 alleles (0.00083%); highest among the groups gnomAD compares: African/African-American, 0.0014%; no homozygotes.

Submissions (2):

Labcorp Genetics (formerly Invitae), Labcorp
Classification: Benign for Kabuki syndrome. Last evaluated: 2024-03-16. Review status: criteria provided, single submitter. Criteria: Invitae Variant Classification Sherloc (09022015). Collection method: clinical testing. Allele origin: germline.

PreventionGenetics, part of Exact Sciences
Classification: Likely benign for KMT2D-related condition. Last evaluated: 2022-06-21. Review status: no assertion criteria provided. Collection method: clinical testing. Allele origin: germline. Not counted in ClinVar's aggregate classification.
Comment: This variant is classified as likely benign based on ACMG/AMP sequence variant interpretation guidelines (Richards et al. 2015 PMID: 25741868, with internal and published modifications).